The following is an entry in ClinVar:

ClinVar aggregate classification (germline): Uncertain significance. Review status: criteria provided, multiple submitters, no conflicts (2 of 4 stars). 2 submissions from 2 submitters: Uncertain significance (2). Last evaluated 2024-08-20.

Conditions:
Tuberous sclerosis syndrome (TSC). Also called: Tuberous Sclerosis Complex; Tuberous sclerosis. Identifiers: Orphanet 805, MedGen C0041341, MONDO:0001734.
Tuberous sclerosis 2 (TSC2). Identifiers: Orphanet 805, MedGen C1860707, MONDO:0013199, OMIM 613254.

Submissions (2):

Labcorp Genetics (formerly Invitae), Labcorp
Classification: Uncertain significance for Tuberous sclerosis 2. Last evaluated: 2024-08-20. Review status: criteria provided, single submitter. Criteria: Invitae Variant Classification Sherloc (09022015). Collection method: clinical testing. Allele origin: germline.
Comment: This sequence change creates a premature translational stop signal (p.Trp1293*) in the TSC2 gene. Loss-of-function variants in TSC2 are known to be pathogenic (PMID: 10205261, 17304050). However, tissue-specific alternative splicing of TSC2 gene results in a functional isoform lacking in-frame exon 32 (also known as exon 31, PMID: 26703369). For this reason the clinical significance of loss of function variants in exon 32 is currently uncertain. This variant is not present in population databases (gnomAD no frequency). This variant has not been reported in the literature in individuals affected with TSC2-related conditions. RNA analysis performed to evaluate the impact of this premature translational stop signal on mRNA splicing indicates it does not significantly alter splicing (internal data). In summary, the available evidence is currently insufficient to determine the role of this variant in disease. Therefore, it has been classified as a Variant of Uncertain Significance.

All of Us Research Program, National Institutes of Health
Classification: Uncertain significance for Tuberous sclerosis syndrome. Last evaluated: 2023-03-28. Review status: criteria provided, single submitter. Criteria: ACMG Guidelines, 2015. Collection method: clinical testing. Allele origin: germline. Inheritance: Autosomal dominant inheritance. Observed: 1 variant allele, 1 heterozygote.
Comment: This study involves interpretation of variants in research participants for the purpose of population health screening. Participant phenotype was not available at the time of variant classification. Additional details can be found in publication PMID: 35346344, PMCID: PMC8962531

Literature cited by the submitters: PubMed 10205261 (cited by Labcorp Genetics (formerly Invitae), Labcorp); PubMed 17304050 (cited by Labcorp Genetics (formerly Invitae), Labcorp).

NM_000548.5(TSC2):c.3879G>A (p.Trp1293Ter)

Gene: TSC2 (TSC complex subunit 2; plus strand). Cytogenetic location: 16p13.3.
Variant type: single nucleotide variant.
Coding change: c.3879G>A on transcript NM_000548.5 (MANE Select); coding-DNA position 3879, G replaced by A.
Protein change: p.Trp1293Ter; replaces tryptophan 1293 with a stop codon.
Molecular consequence: nonsense. On other transcripts: intron variant (33), non-coding transcript variant (1).
Genome position (GRCh38, 1-based): chr16:2,082,500, G>A. VCF-style: chr16-2082500-G-A. GRCh37 (hg19) VCF-style: chr16-2132501-G-A.
Other names: c.3147G>A, p.Trp1049Ter (NM_001318831.2); c.3747G>A, p.Trp1249Ter (NM_001370404.1, NM_001406665.1); c.3750G>A, p.Trp1250Ter (NM_001370405.1, NM_021055.3); c.3876G>A, p.Trp1292Ter (NM_001406663.1); c.3279G>A, p.Trp1093Ter (NM_001406680.1); c.2406G>A, p.Trp802Ter (NM_001406690.1); c.3811+702G>A (NM_001406664.1); c.3685+702G>A (NM_001363528.2); and 25 more; short protein forms W1049*, W1093*, W1249*, W1250*, W1292*, W1293*, W801*, W802*.
Identifiers: ClinVar variation 3386174 (VCV003386174.3).
Genomic context (GRCh38, chr16:2,082,500, plus strand): 5'-CTCTTTCTCCTCCCTGTACCAGTCCAGCTGCCAAGGACAGCTGCACAGGAGCGTTTCCTG[G>A]GCAGGTATCGCCTCTCAGAGGGAAGCGGTTGGCTGCAGAGCGCCACTCTGCCTCATAGGT-3'